The following is an entry in ClinVar:

ClinVar aggregate classification (germline): Uncertain significance (1 of 4 stars; one submission).

Allele frequency attached by ClinVar (database versions not stated): gnomAD 0.00001.
gnomAD v4.1: 1 of 1,613,996 alleles (0.000062%); highest among the groups gnomAD compares: African/African-American, 0.0013%; no homozygotes.

Submission:

Labcorp Genetics (formerly Invitae), Labcorp
Classification: Uncertain significance. Last evaluated: 2022-03-06. Review status: criteria provided, single submitter. Criteria: Invitae Variant Classification Sherloc (09022015). Collection method: clinical testing. Allele origin: germline.
Comment: This sequence change replaces alanine, which is neutral and non-polar, with valine, which is neutral and non-polar, at codon 165 of the NSMCE3 protein (p.Ala165Val). This variant is present in population databases (no rsID available, gnomAD 0.01%). This variant has not been reported in the literature in individuals affected with NSMCE3-related conditions. Algorithms developed to predict the effect of missense changes on protein structure and function (SIFT, PolyPhen-2, Align-GVGD) all suggest that this variant is likely to be tolerated. In summary, the available evidence is currently insufficient to determine the role of this variant in disease. Therefore, it has been classified as a Variant of Uncertain Significance.

NM_138704.4(NSMCE3):c.494C>T (p.Ala165Val)

Genes: ENTREP2 (endosomal transmembrane epsin interactor 2; minus strand), NSMCE3 (NSE3 component of SMC5/6 complex; minus strand). Cytogenetic location: 15q13.1.
Variant type: single nucleotide variant.
Coding change: c.494C>T on transcript NM_138704.4 (MANE Select); coding-DNA position 494, C replaced by T.
Protein change: p.Ala165Val; replaces alanine 165 with valine.
Molecular consequence: missense variant. On other transcripts: intron variant (5).
Genome position (GRCh38, 1-based): chr15:29,269,212, G>A on the plus strand (C>T on the coding strand, the complement: NSMCE3 is on the minus strand). VCF-style: chr15-29269212-G-A. GRCh37 (hg19) VCF-style: chr15-29561416-G-A.
Other names: c.-12-16734C>T (NM_001387217.1, NM_001387215.1, NM_001387216.1); c.277-16734C>T (NM_001387214.1, NM_015307.2); short protein forms A165V.
Identifiers: ClinVar variation 1970339 (VCV001970339.5), dbSNP rs1346795302, ClinGen allele CA391484125.
Genomic context (GRCh38, chr15:29,269,212, plus strand): 5'-AGCCCTAAGACGATCATCAGGAGGCCCGTAGTGGGCGTGCCTTGGTCACCCCTCATCTCG[G>A]CATCCTCCTCCACAGGCTCCAGGGTGTTGATGAGGATGTAAGTGTTGCTCTTGGGTTCAA-3'
Protein context (NP_619649.1, residues 155-175): INTLEPVEED[Ala165Val]EMRGDQGTPT